The following is an entry in ClinVar:

NM_024589.3(ROGDI):c.336+3G>A

Gene: ROGDI (rogdi atypical leucine zipper; minus strand). Cytogenetic location: 16p13.3.
Variant type: single nucleotide variant.
Coding change: c.336+3G>A on transcript NM_024589.3 (MANE Select); 3 bases into the intron after coding-DNA position 336, G replaced by A.
Molecular consequence: intron variant.
Genome position (GRCh38, 1-based): chr16:4,800,495, C>T on the plus strand (G>A on the coding strand, the complement: ROGDI is on the minus strand). VCF-style: chr16-4800495-C-T. GRCh37 (hg19) VCF-style: chr16-4850496-C-T.
Other names: c.336+3G>A (NM_024589.1).
Identifiers: ClinVar variation 649121 (VCV000649121.8), dbSNP rs765836538, ClinGen allele CA7882796.
Genomic context (GRCh38, chr16:4,800,495, plus strand): 5'-CCGCGGCAGGCCTGCTGCCGCCTGTCCTTGTGGCTGAGCACTAGCCAGGAGGGGCGGGGT[C>T]ACCTGCTGCAGCTTCCACTGCTTGTCCTCCCGGAAGGCGAAGTGCAGCAGCTGGTTGTTC-3'

ClinVar aggregate classification (germline): Uncertain significance. Review status: criteria provided, multiple submitters, no conflicts (2 of 4 stars). 2 submissions from 2 submitters: Uncertain significance (2). Last evaluated 2023-03-06.

Conditions:
Inborn genetic diseases. Identifiers: MedGen C0950123, MeSH D030342.
Amelocerebrohypohidrotic syndrome (KTZS). Also called: EPILEPSY AND YELLOW TEETH; EPILEPSY, DEMENTIA, AND AMELOGENESIS IMPERFECTA; KOHLSCHUTTER SYNDROME; Kohlschutter's syndrome. Identifiers: Orphanet 1946, MedGen C0406740, MONDO:0009185, OMIM 226750.

Allele frequency attached by ClinVar (database versions not stated): gnomAD exomes 0.00004 and 0.00002; ExAC 0.00005; gnomAD below 0.00001 and 0.00001.
gnomAD v4.1: 30 of 1,553,312 alleles (0.0019%); highest among the groups gnomAD compares: South Asian, 0.032%; no homozygotes.

Submissions (2):

Ambry Genetics
Classification: Uncertain significance for Inborn genetic diseases. Last evaluated: 2023-03-06. Review status: criteria provided, single submitter. Criteria: Ambry Variant Classification Scheme 2023. Collection method: clinical testing. Allele origin: germline.
Comment: The c.336+3G>A intronic alteration consists of a G to A substitution 3 nucleotides after exon 5 of the ROGDI gene. Based on insufficient or conflicting evidence, the clinical significance of this alteration remains unclear.

Labcorp Genetics (formerly Invitae), Labcorp
Classification: Uncertain significance for Amelocerebrohypohidrotic syndrome. Last evaluated: 2018-07-01. Review status: criteria provided, single submitter. Criteria: Invitae Variant Classification Sherloc (09022015). Collection method: clinical testing. Allele origin: germline.
Comment: In summary, the available evidence is currently insufficient to determine the role of this variant in disease. Therefore, it has been classified as a Variant of Uncertain Significance. Nucleotide substitutions within the consensus splice site are a relatively common cause of aberrant splicing (PMID: 17576681, 9536098). Algorithms developed to predict the effect of sequence changes on RNA splicing suggest that this variant may create or strengthen a splice site, but this prediction has not been confirmed by published transcriptional studies. This variant has not been reported in the literature in individuals with ROGDI-related disease. This variant is present in population databases (rs765836538, ExAC 0.01%). This sequence change falls in intron 5 of the ROGDI gene. It does not directly change the encoded amino acid sequence of the ROGDI protein, but it affects a nucleotide within the consensus splice site of the intron.

Literature cited by the submitters: PubMed 17576681 (cited by Labcorp Genetics (formerly Invitae), Labcorp); PubMed 9536098 (cited by Labcorp Genetics (formerly Invitae), Labcorp).